The following is an entry in ClinVar:

ClinVar aggregate classification (germline): Uncertain significance (1 of 4 stars; one submission).

Conditions:
Early-infantile DEE. Also called: Early infantile epileptic encephalopathy with suppression bursts; Early infantile epileptic encephalopathy; Ohtahara syndrome. Identifiers: Orphanet 1934, MedGen C0393706, MONDO:0800491.

Submission:

Labcorp Genetics (formerly Invitae), Labcorp
Classification: Uncertain significance for Early-infantile DEE. Last evaluated: 2020-01-21. Review status: criteria provided, single submitter. Criteria: Invitae Variant Classification Sherloc (09022015). Collection method: clinical testing. Allele origin: germline.
Comment: This variant has not been reported in the literature in individuals with SCN1A-related conditions. ClinVar contains an entry for this variant (Variation ID: 645089). This variant is not present in population databases (ExAC no frequency). This sequence change replaces isoleucine with serine at codon 124 of the SCN1A protein (p.Ile124Ser). The isoleucine residue is highly conserved and there is a large physicochemical difference between isoleucine and serine. In summary, the available evidence is currently insufficient to determine the role of this variant in disease. Therefore, it has been classified as a Variant of Uncertain Significance. Algorithms developed to predict the effect of missense changes on protein structure and function are either unavailable or do not agree on the potential impact of this missense change (SIFT: "Deleterious"; PolyPhen-2: "Benign"; Align-GVGD: "Class C65").

NM_001165963.4(SCN1A):c.371T>G (p.Ile124Ser)

Gene: SCN1A (sodium voltage-gated channel alpha subunit 1; minus strand). Cytogenetic location: 2q24.3.
Variant type: single nucleotide variant.
Coding change: c.371T>G on transcript NM_001165963.4 (MANE Select); coding-DNA position 371, T replaced by G.
Protein change: p.Ile124Ser; replaces isoleucine 124 with serine.
Molecular consequence: missense variant. On other transcripts: 5 prime UTR variant (1), non-coding transcript variant (1).
Genome position (GRCh38, 1-based): chr2:166,058,582, A>C on the plus strand (T>G on the coding strand, the complement: SCN1A is on the minus strand). VCF-style: chr2-166058582-A-C. GRCh37 (hg19) VCF-style: chr2-166915092-A-C.
Other names: c.371T>G, p.Ile124Ser (NM_001165964.3, NM_001202435.3, NM_001353948.2 and 10 more transcripts); c.-2055T>G (NM_001353961.2); short protein forms I124S.
Identifiers: ClinVar variation 645089 (VCV000645089.9), dbSNP rs121918761, ClinGen allele CA349076797.